The following is an entry in ClinVar:

NM_021930.6(RINT1):c.614C>G (p.Ser205Cys)

Gene: RINT1 (RAD50 interactor 1; plus strand). Cytogenetic location: 7q22.3.
Variant type: single nucleotide variant.
Coding change: c.614C>G on transcript NM_021930.6 (MANE Select); coding-DNA position 614, C replaced by G.
Protein change: p.Ser205Cys; replaces serine 205 with cysteine.
Molecular consequence: missense variant. On other transcripts: 5 prime UTR variant (2), non-coding transcript variant (1), intron variant (1).
Genome position (GRCh38, 1-based): chr7:105,547,008, C>G. VCF-style: chr7-105547008-C-G. GRCh37 (hg19) VCF-style: chr7-105187455-C-G.
Other names: c.380C>G, p.Ser127Cys (NM_001346599.2); c.-406C>G (NM_001346600.2); c.-309C>G (NM_001346601.2); c.-27-3047C>G (NM_001346603.2); short protein forms S127C, S205C.
Identifiers: ClinVar variation 4154605 (VCV004154605.1).

ClinVar aggregate classification (germline): Uncertain significance (1 of 4 stars; one submission).

gnomAD v4.1: 2 of 1,613,882 alleles (0.00012%); highest among the groups gnomAD compares: East Asian, 0.0022%; no homozygotes.

Submission:

Ambry Genetics
Classification: Uncertain significance. Last evaluated: 2025-07-14. Review status: criteria provided, single submitter. Criteria: Ambry Variant Classification Scheme 2023. Collection method: clinical testing. Allele origin: germline.
Comment: The p.S205C variant (also known as c.614C>G), located in coding exon 5 of the RINT1 gene, results from a C to G substitution at nucleotide position 614. The serine at codon 205 is replaced by cysteine, an amino acid with dissimilar properties. This amino acid position is conserved. In addition, this alteration is predicted to be tolerated by in silico analysis. Based on the available evidence, the clinical significance of this variant remains unclear.